The following is an entry in ClinVar:

NM_001330260.2(SCN8A):c.5348A>T (p.Asp1783Val)

Gene: SCN8A (sodium voltage-gated channel alpha subunit 8; plus strand). Cytogenetic location: 12q13.13.
Variant type: single nucleotide variant.
Coding change: c.5348A>T on transcript NM_001330260.2 (MANE Select); coding-DNA position 5348, A replaced by T.
Protein change: p.Asp1783Val; replaces aspartic acid 1783 with valine.
Molecular consequence: missense variant.
Genome position (GRCh38, 1-based): chr12:51,806,834, A>T. VCF-style: chr12-51806834-A-T. GRCh37 (hg19) VCF-style: chr12-52200618-A-T.
Other names: c.5225A>T, p.Asp1742Val (NM_001177984.3, NM_001369788.1); c.5348A>T, p.Asp1783Val (NM_014191.4); short protein forms D1742V, D1783V.
Identifiers: ClinVar variation 846576 (VCV000846576.10), dbSNP rs1938715021, ClinGen allele CA384885463.

ClinVar aggregate classification (germline): Uncertain significance (1 of 4 stars; one submission).

Conditions:
Early-infantile DEE. Also called: Ohtahara syndrome; Early infantile epileptic encephalopathy with suppression bursts; Early infantile epileptic encephalopathy. Identifiers: Orphanet 1934, MedGen C0393706, MONDO:0800491.

Submission:

Labcorp Genetics (formerly Invitae), Labcorp
Classification: Uncertain significance for Early-infantile DEE. Last evaluated: 2022-09-07. Review status: criteria provided, single submitter. Criteria: Invitae Variant Classification Sherloc (09022015). Collection method: clinical testing. Allele origin: germline.
Comment: This sequence change replaces aspartic acid, which is acidic and polar, with valine, which is neutral and non-polar, at codon 1783 of the SCN8A protein (p.Asp1783Val). This variant is not present in population databases (gnomAD no frequency). This variant has not been reported in the literature in individuals affected with SCN8A-related conditions. ClinVar contains an entry for this variant (Variation ID: 846576). Algorithms developed to predict the effect of missense changes on protein structure and function are either unavailable or do not agree on the potential impact of this missense change (SIFT: "Deleterious"; PolyPhen-2: "Probably Damaging"; Align-GVGD: "Class C0"). In summary, the available evidence is currently insufficient to determine the role of this variant in disease. Therefore, it has been classified as a Variant of Uncertain Significance.